The following is an entry in ClinVar:

ClinVar aggregate classification (germline): Likely benign (1 of 4 stars; one submission).

gnomAD v4.1: 5 of 152,170 alleles (0.0033%); highest among the groups gnomAD compares: Non-Finnish European, 0.0059%; no homozygotes.

Submission:

CeGaT Center for Human Genetics Tuebingen
Classification: Likely benign. Last evaluated: 2026-04-01. Review status: criteria provided, single submitter. Criteria: CeGaT Center For Human Genetics Tuebingen Variant Classification Criteria Version 2. Collection method: clinical testing. Allele origin: germline. Affected: yes. Observed: 2 variant alleles.
Comment: PTPN11: PP2, BS2

NM_002834.5(PTPN11):c.1713-507T>G

Gene: PTPN11 (protein tyrosine phosphatase non-receptor type 11; plus strand). Cytogenetic location: 12q24.13.
Variant type: single nucleotide variant.
Coding change: c.1713-507T>G on transcript NM_002834.5 (MANE Select); 507 bases into the intron before coding-DNA position 1713, T replaced by G.
Molecular consequence: intron variant.
Genome position (GRCh38, 1-based): chr12:112,504,188, T>G. VCF-style: chr12-112504188-T-G. GRCh37 (hg19) VCF-style: chr12-112941992-T-G.
Other names: c.1725-507T>G (NM_001330437.2); c.1710-507T>G (NM_001374625.1).
Identifiers: ClinVar variation 4534660 (VCV004534660.6).